The following is an entry in ClinVar:

NM_005228.5(EGFR):c.2371C>T (p.Gln791Ter)

Genes: EGFR (epidermal growth factor receptor; plus strand), EGFR-AS1 (EGFR antisense RNA 1; minus strand). Cytogenetic location: 7p11.2.
Variant type: single nucleotide variant.
Coding change: c.2371C>T on transcript NM_005228.5 (MANE Select); coding-DNA position 2371, C replaced by T.
Protein change: p.Gln791Ter; replaces glutamine 791 with a stop codon.
Molecular consequence: nonsense. On other transcripts: non-coding transcript variant (1).
Genome position (GRCh38, 1-based): chr7:55,181,380, C>T. VCF-style: chr7-55181380-C-T. GRCh37 (hg19) VCF-style: chr7-55249073-C-T.
Other names: c.2236C>T, p.Gln746Ter (NM_001346897.2, NM_001346899.2); c.2371C>T, p.Gln791Ter (NM_001346898.2); c.2212C>T, p.Gln738Ter (NM_001346900.2); c.1570C>T, p.Gln524Ter (NM_001346941.2); short protein forms Q524*, Q738*, Q746*, Q791*.
Identifiers: ClinVar variation 2907450 (VCV002907450.3), dbSNP rs2128958651, ClinGen allele CA367578854.

ClinVar aggregate classification (germline): Pathogenic (1 of 4 stars; one submission).

Conditions:
EGFR-related lung cancer (EGFR). Identifiers: MedGen CN130014.

Submission:

Labcorp Genetics (formerly Invitae), Labcorp
Classification: Pathogenic for EGFR-related lung cancer. Last evaluated: 2023-06-16. Review status: criteria provided, single submitter. Criteria: Invitae Variant Classification Sherloc (09022015). Collection method: clinical testing. Allele origin: germline.
Comment: This sequence change creates a premature translational stop signal (p.Gln791*) in the EGFR gene. It is expected to result in an absent or disrupted protein product. Loss-of-function variants in EGFR are known to be pathogenic (PMID: 7630400, 28726809, 29899996). This variant is not present in population databases (gnomAD no frequency). This premature translational stop signal has been observed in individual(s) with lung cancer (PMID: 34012789). For these reasons, this variant has been classified as Pathogenic.

Literature cited by the submitters: PubMed 7630400; PubMed 28726809; PubMed 29899996; PubMed 34012789.